The following is an entry in ClinVar:

ClinVar aggregate classification (germline): Benign/Likely benign. Review status: criteria provided, multiple submitters, no conflicts (2 of 4 stars). 3 submissions from 3 submitters: Benign (1); Likely benign (2). Last evaluated 2026-01-24.

Conditions:
Hereditary cancer-predisposing syndrome. Also called: Tumor predisposition; Hereditary neoplastic syndrome; Neoplastic Syndromes, Hereditary; Hereditary Cancer Syndrome. Identifiers: Orphanet 140162, MedGen C0027672, MeSH D009386, MONDO:0015356.
Hereditary diffuse gastric adenocarcinoma (HDGC). Also called: DIFFUSE GASTRIC AND LOBULAR BREAST CANCER SYNDROME. Identifiers: Orphanet 26106, MedGen C1708349, MONDO:0007648, OMIM 137215.

Allele frequency attached by ClinVar (database versions not stated): ExAC 0.00001; gnomAD exomes 0.00001; gnomAD 0.00002.
gnomAD v4.1: 13 of 1,614,066 alleles (0.00081%); highest among the groups gnomAD compares: African/African-American, 0.0013%; no homozygotes.

Submissions (3):

Labcorp Genetics (formerly Invitae), Labcorp
Classification: Likely benign. Last evaluated: 2026-01-24. Review status: criteria provided, single submitter. Criteria: Invitae Variant Classification Sherloc (09022015). Collection method: clinical testing. Allele origin: germline.

Myriad Genetics, Inc.
Classification: Benign for Hereditary diffuse gastric adenocarcinoma. Last evaluated: 2024-10-15. Review status: criteria provided, single submitter. Criteria: Myriad Autosomal Dominant, Autosomal Recessive and X-Linked Classification Criteria (2023). Collection method: clinical testing. Allele origin: unknown.
Comment: This variant is considered benign. This variant is a silent/synonymous amino acid change and it is not expected to impact splicing.

Ambry Genetics
Classification: Likely benign for Hereditary cancer-predisposing syndrome. Last evaluated: 2020-08-21. Review status: criteria provided, single submitter. Criteria: Ambry Variant Classification Scheme 2023. Collection method: clinical testing. Allele origin: germline.

NM_001903.5(CTNNA1):c.2349C>T (p.Ile783=)

Gene: CTNNA1 (catenin alpha 1; plus strand). Cytogenetic location: 5q31.2.
Variant type: single nucleotide variant.
Coding change: c.2349C>T on transcript NM_001903.5 (MANE Select); coding-DNA position 2349, C replaced by T.
Protein change: p.Ile783=; no amino-acid change (isoleucine 783 retained).
Molecular consequence: synonymous variant. On other transcripts: intron variant (1).
Genome position (GRCh38, 1-based): chr5:138,932,628, C>T. VCF-style: chr5-138932628-C-T. GRCh37 (hg19) VCF-style: chr5-138268317-C-T.
Other names: c.900C>T, p.Ile300= (NM_001324010.1, NM_001324006.1, NM_001324007.1 and 2 more transcripts); c.1146C>T, p.Ile382= (NM_001324011.1); c.996C>T, p.Ile332= (NM_001324012.1, NM_001324013.1); c.1189-1174C>T (NM_001324001.1); c.2349C>T, p.Ile783= (NM_001290307.3, NM_001323982.2, NM_001323983.1 and 2 more transcripts); c.2040C>T, p.Ile680= (NM_001290309.3); c.1980C>T, p.Ile660= (NM_001290310.3); c.1239C>T, p.Ile413= (NM_001290312.1, NM_001323987.1, NM_001323988.1 and 16 more transcripts); and 1 more.
Identifiers: ClinVar variation 704159 (VCV000704159.15), dbSNP rs766188211, ClinGen allele CA3432175.
Genomic context (GRCh38, chr5:138,932,628, plus strand): 5'-CTCTCTTCAGTGCCCCGACTCGGCTTGCAAGCAGGACCTGCTGGCCTACCTGCAACGCAT[C>T]GCCCTCTACTGCCACCAGCTGAACATCTGCAGCAAGGTCAAGGCCGAGGTGCAGAATCTC-3'
Protein context (NP_001894.2, residues 773-793): KQDLLAYLQR[Ile783=]ALYCHQLNIC